The following is an entry in ClinVar:

ClinVar aggregate classification (germline): Uncertain significance (1 of 4 stars; one submission).

Conditions:
Hereditary cancer-predisposing syndrome. Also called: Tumor predisposition; Hereditary neoplastic syndrome; Hereditary Cancer Syndrome; Neoplastic Syndromes, Hereditary. Identifiers: Orphanet 140162, MedGen C0027672, MeSH D009386, MONDO:0015356.

Submission:

Ambry Genetics
Classification: Uncertain significance for Hereditary cancer-predisposing syndrome. Last evaluated: 2024-02-10. Review status: criteria provided, single submitter. Criteria: Ambry Variant Classification Scheme 2023. Collection method: clinical testing. Allele origin: germline.
Comment: The p.A242S variant (also known as c.724G>T), located in coding exon 5 of the POLD1 gene, results from a G to T substitution at nucleotide position 724. The alanine at codon 242 is replaced by serine, an amino acid with similar properties. This amino acid position is conserved. In addition, this alteration is predicted to be tolerated by in silico analysis. Based on the available evidence, the clinical significance of this alteration remains unclear.

NM_002691.4(POLD1):c.724G>T (p.Ala242Ser)

Gene: POLD1 (DNA polymerase delta 1, catalytic subunit; plus strand). Cytogenetic location: 19q13.33.
Variant type: single nucleotide variant.
Coding change: c.724G>T on transcript NM_002691.4 (MANE Select); coding-DNA position 724, G replaced by T.
Protein change: p.Ala242Ser; replaces alanine 242 with serine.
Molecular consequence: missense variant. On other transcripts: non-coding transcript variant (1).
Genome position (GRCh38, 1-based): chr19:50,402,339, G>T. VCF-style: chr19-50402339-G-T. GRCh37 (hg19) VCF-style: chr19-50905596-G-T.
Other names: c.724G>T, p.Ala242Ser (NM_001256849.1, NM_001308632.1); short protein forms A242S.
Identifiers: ClinVar variation 3222747 (VCV003222747.1), dbSNP rs910905700, ClinGen allele CA406974524.